The following is an entry in ClinVar:

NM_201384.3(PLEC):c.9318G>A (p.Arg3106=)

Gene: PLEC (plectin; minus strand). Cytogenetic location: 8q24.3.
Variant type: single nucleotide variant.
Coding change: c.9318G>A on transcript NM_201384.3 (MANE Select); coding-DNA position 9318, G replaced by A.
Protein change: p.Arg3106=; no amino-acid change (arginine 3106 retained).
Molecular consequence: synonymous variant.
Genome position (GRCh38, 1-based): chr8:143,920,503, C>T on the plus strand (G>A on the coding strand, the complement: PLEC is on the minus strand). VCF-style: chr8-143920503-C-T. GRCh37 (hg19) VCF-style: chr8-144994671-C-T.
Other names: c.9399G>A, p.Arg3133= (NM_000445.5); c.6018G>A, p.Arg2006= (NM_001410941.1); c.9276G>A, p.Arg3092= (NM_201378.4); c.9252G>A, p.Arg3084= (NM_201379.3); c.9729G>A, p.Arg3243= (NM_201380.4); c.9222G>A, p.Arg3074= (NM_201381.3); c.9318G>A, p.Arg3106= (NM_201382.4); c.9330G>A, p.Arg3110= (NM_201383.3).
Identifiers: ClinVar variation 4984091 (VCV004984091.1).
Genomic context (GRCh38, chr8:143,920,503, plus strand): 5'-GGGAATGAGGCCCTTCTTCAGGGCCTGGAACAGGGAGACGCTCTGCCCTGTGTAGGGGTC[C>T]CTGTACCCTGTCACAGCCTTCTCGGCTGATAGCAGCTTCTCATGAAACTCGGGGCCCACC-3'
Protein context (NP_958786.1, residues 3096-3116): LSAEKAVTGY[Arg3106=]DPYTGQSVSL

ClinVar aggregate classification (germline): Likely benign (1 of 4 stars; one submission).

Conditions:
PLEC-related disorder. Also called: PLEC-related disorders; PLEC-related condition.

gnomAD v4.1: 2 of 1,610,622 alleles (0.00012%); highest among the groups gnomAD compares: African/African-American, 0.0013%; no homozygotes.

Submission:

PreventionGenetics, part of Exact Sciences
Classification: Likely benign for PLEC-related condition. Last evaluated: 2026-03-08. Review status: criteria provided, single submitter. Criteria: ACMG Guidelines, 2015. Collection method: clinical testing. Allele origin: germline.
Comment: This variant is classified as likely benign based on ACMG/AMP sequence variant interpretation guidelines (Richards et al. 2015 PMID: 25741868, with internal and published modifications).